The following is an entry in ClinVar:

ClinVar aggregate classification (germline): Benign/Likely benign. Review status: criteria provided, multiple submitters, no conflicts (2 of 4 stars). 10 submissions from 10 submitters: Benign (4); Likely benign (6). Last evaluated 2026-04-15.

Conditions:
Hereditary cancer-predisposing syndrome. Also called: Neoplastic Syndromes, Hereditary; Hereditary Cancer Syndrome; Tumor predisposition; Hereditary neoplastic syndrome. Identifiers: Orphanet 140162, MedGen C0027672, MeSH D009386, MONDO:0015356.
DICER1-related tumor predisposition. Also called: DICER1 syndrome; DICER1-related pleuropulmonary blastoma cancer predisposition syndrome. Identifiers: Orphanet 284343, MedGen C3839822, MONDO:0100216.
Pleuropulmonary blastoma (PPB). Identifiers: Orphanet 64742, MedGen C1266144, MONDO:0011014, OMIM 601200, HP:0100528.

Allele frequency attached by ClinVar (database versions not stated): gnomAD exomes 0.00009 and 0.00020; ExAC 0.00023; gnomAD 0.00070; TOPMed 0.00076; ESP Exome Variant Server 0.00085; 1000 Genomes Project 30x 0.00094; 1000 Genomes Project 0.00120.
gnomAD v4.1: 252 of 1,613,250 alleles (0.016%); highest among the groups gnomAD compares: African/African-American, 0.26%; no homozygotes.

Submissions (10):

Myriad Genetics, Inc.
Classification: Benign for DICER1-related tumor predisposition. Last evaluated: 2026-04-15. Review status: criteria provided, single submitter. Criteria: Myriad Autosomal Dominant, Autosomal Recessive and X-Linked Classification Criteria (2023). Collection method: clinical testing. Allele origin: unknown.
Comment: This variant is considered benign. This variant is a silent/synonymous amino acid change and it is not expected to impact splicing.

Labcorp Genetics (formerly Invitae), Labcorp
Classification: Benign for DICER1-related tumor predisposition. Last evaluated: 2026-02-04. Review status: criteria provided, single submitter. Criteria: Invitae Variant Classification Sherloc (09022015). Collection method: clinical testing. Allele origin: germline.

Center for Genomic Medicine, Rigshospitalet, Copenhagen University Hospital
Classification: Likely benign. Last evaluated: 2025-03-04. Review status: criteria provided, single submitter. Criteria: ACMG Guidelines, 2015. Collection method: clinical testing. Allele origin: germline.

Blueprint Genetics
Classification: Likely benign. Last evaluated: 2024-11-25. Review status: criteria provided, single submitter. Criteria: ACMG Guidelines, 2015. Collection method: clinical testing. Allele origin: germline.

CeGaT Center for Human Genetics Tuebingen
Classification: Likely benign. Last evaluated: 2024-11-01. Review status: criteria provided, single submitter. Criteria: CeGaT Center For Human Genetics Tuebingen Variant Classification Criteria Version 2. Collection method: clinical testing. Allele origin: germline. Affected: yes. Observed: 1 variant allele.
Comment: DICER1: BP4, BP7, BS1

KCCC/NGS Laboratory, Kuwait Cancer Control Center
Classification: Benign for Pleuropulmonary blastoma. Last evaluated: 2023-07-07. Review status: criteria provided, single submitter. Criteria: ACMG Guidelines, 2015. Collection method: clinical testing. Allele origin: germline. Affected: yes.

ARUP Laboratories, Molecular Genetics and Genomics, ARUP Laboratories
Classification: Benign. Last evaluated: 2021-10-08. Review status: criteria provided, single submitter. Criteria: ARUP Molecular Germline Variant Investigation Process 2021. Collection method: clinical testing. Allele origin: germline.

Sema4
Classification: Likely benign for Hereditary cancer-predisposing syndrome. Last evaluated: 2021-02-23. Review status: criteria provided, single submitter. Criteria: Sema4 Curation Guidelines. Collection method: curation. Allele origin: germline.

GeneDx
Classification: Likely benign. Last evaluated: 2021-01-11. Review status: criteria provided, single submitter. Criteria: GeneDx Variant Classification Process June 2021. Collection method: clinical testing. Allele origin: germline. Affected: yes.

Ambry Genetics
Classification: Likely benign for Hereditary cancer-predisposing syndrome. Last evaluated: 2017-05-23. Review status: criteria provided, single submitter. Criteria: Ambry Variant Classification Scheme 2023. Collection method: clinical testing. Allele origin: germline.

NM_177438.3(DICER1):c.924C>T (p.Ala308=)

Gene: DICER1 (dicer 1, ribonuclease III; minus strand). Cytogenetic location: 14q32.13.
Variant type: single nucleotide variant.
Coding change: c.924C>T on transcript NM_177438.3 (MANE Select); coding-DNA position 924, C replaced by T.
Protein change: p.Ala308=; no amino-acid change (alanine 308 retained).
Molecular consequence: synonymous variant.
Genome position (GRCh38, 1-based): chr14:95,124,648, G>A on the plus strand (C>T on the coding strand, the complement: DICER1 is on the minus strand). VCF-style: chr14-95124648-G-A. GRCh37 (hg19) VCF-style: chr14-95590985-G-A.
Other names: c.924C>T, p.Ala308= (NM_001195573.1, NM_001271282.3, NM_001291628.2 and 1 more transcripts).
Identifiers: ClinVar variation 220595 (VCV000220595.43), dbSNP rs142397473, ClinGen allele CA350667.